The following is an entry in ClinVar:

ClinVar aggregate classification (germline): Conflicting classifications of pathogenicity. Review status: criteria provided, conflicting classifications (1 of 4 stars). 3 submissions from 3 submitters: Uncertain significance (1); Likely benign (2). Last evaluated 2025-01-27.

Conditions:
Greenberg dysplasia (GRBGD). Also called: HEM SKELETAL DYSPLASIA; MOTH-EATEN SKELETAL DYSPLASIA; CHONDRODYSTROPHY, HYDROPIC AND PRENATALLY LETHAL TYPE. Identifiers: Orphanet 1426, MedGen C2931048, MONDO:0008974, OMIM 215140.

Allele frequency attached by ClinVar (database versions not stated): gnomAD exomes 0.00002 and 0.00004; ExAC 0.00004; gnomAD 0.00005 and 0.00014; TOPMed 0.00025.
gnomAD v4.1: 52 of 1,613,932 alleles (0.0032%); highest among the groups gnomAD compares: South Asian, 0.0099%; no homozygotes.

Submissions (3):

Labcorp Genetics (formerly Invitae), Labcorp
Classification: Likely benign. Last evaluated: 2025-01-27. Review status: criteria provided, single submitter. Criteria: Invitae Variant Classification Sherloc (09022015). Collection method: clinical testing. Allele origin: germline.

Athena Diagnostics
Classification: Likely benign. Last evaluated: 2025-01-23. Review status: criteria provided, single submitter. Criteria: Athena Diagnostics Criteria. Collection method: clinical testing. Allele origin: unknown.
Comment: Computational tools yielded predictions that this variant is unlikely to have an effect on normal RNA splicing. This nucleotide position exhibits low evolutionary conservation.

Illumina Laboratory Services, Illumina
Classification: Uncertain significance for Greenberg dysplasia. Last evaluated: 2017-04-28. Review status: criteria provided, single submitter. Criteria: ICSL Variant Classification Criteria 13 December 2019. Collection method: clinical testing. Allele origin: germline.

NM_002296.4(LBR):c.819C>T (p.Tyr273=)

Gene: LBR (lamin B receptor; minus strand). Cytogenetic location: 1q42.12.
Variant type: single nucleotide variant.
Coding change: c.819C>T on transcript NM_002296.4 (MANE Select); coding-DNA position 819, C replaced by T.
Protein change: p.Tyr273=; no amino-acid change (tyrosine 273 retained).
Molecular consequence: synonymous variant.
Genome position (GRCh38, 1-based): chr1:225,418,002, G>A on the plus strand (C>T on the coding strand, the complement: LBR is on the minus strand). VCF-style: chr1-225418002-G-A. GRCh37 (hg19) VCF-style: chr1-225605704-G-A.
Other names: c.819C>T (NM_002296.2); c.819C>T, p.Tyr273= (NM_194442.3).
Identifiers: ClinVar variation 710682 (VCV000710682.14), dbSNP rs746272856, ClinGen allele CA1417372.